The following is an entry in ClinVar:

NM_198904.4(GABRG2):c.1243G>A (p.Glu415Lys)

Gene: GABRG2 (gamma-aminobutyric acid type A receptor subunit gamma2; plus strand). Cytogenetic location: 5q34.
Variant type: single nucleotide variant.
Coding change: c.1243G>A on transcript NM_198904.4 (MANE Select); coding-DNA position 1243, G replaced by A.
Protein change: p.Glu415Lys; replaces glutamic acid 415 with lysine.
Molecular consequence: missense variant. On other transcripts: 3 prime UTR variant (1).
Genome position (GRCh38, 1-based): chr5:162,153,183, G>A. VCF-style: chr5-162153183-G-A. GRCh37 (hg19) VCF-style: chr5-161580189-G-A.
Other names: c.1219G>A, p.Glu407Lys (NM_000816.3); c.1234G>A, p.Glu412Lys (NM_001375339.1); c.*77G>A (NM_001375340.1); c.1240G>A, p.Glu414Lys (NM_001375341.1); c.1216G>A, p.Glu406Lys (NM_001375342.1); c.1339G>A, p.Glu447Lys (NM_001375343.1); c.1282G>A, p.Glu428Lys (NM_001375344.1); c.1153G>A, p.Glu385Lys (NM_001375345.1); and 6 more; short protein forms E267K, E275K, E312K, E385K, E386K, E393K, E406K, E407K.
Identifiers: ClinVar variation 1311052 (VCV001311052.2), dbSNP rs2113650816, ClinGen allele CA362183539.

ClinVar aggregate classification (germline): Uncertain significance (1 of 4 stars; one submission).

Submission:

GeneDx
Classification: Uncertain significance. Last evaluated: 2019-12-04. Review status: criteria provided, single submitter. Criteria: GeneDx Variant Classification Process June 2021. Collection method: clinical testing. Allele origin: germline. Affected: yes.
Comment: Not observed in large population cohorts (Lek et al., 2016); In silico analysis, which includes protein predictors and evolutionary conservation, supports that this variant does not alter protein structure/function; Has not been previously published as pathogenic or benign to our knowledge